The following is an entry in ClinVar:

ClinVar aggregate classification (germline): Uncertain significance (1 of 4 stars; one submission).

Conditions:
Myopathy, proximal, and ophthalmoplegia (CMYO6). Also called: MYOPATHY WITH CONGENITAL JOINT CONTRACTURES, OPHTHALMOPLEGIA, AND RIMMED VACUOLES; INCLUSION BODY MYOPATHY 3, AUTOSOMAL DOMINANT; CONGENITAL MYOPATHY 6 WITH OPHTHALMOPLEGIA. Identifiers: Orphanet 363677, Orphanet 79091, MedGen C1854106, MONDO:0011577, OMIM 605637.

Submission:

Labcorp Genetics (formerly Invitae), Labcorp
Classification: Uncertain significance for Myopathy, proximal, and ophthalmoplegia. Last evaluated: 2023-11-22. Review status: criteria provided, single submitter. Criteria: Invitae Variant Classification Sherloc (09022015). Collection method: clinical testing. Allele origin: germline.
Comment: This sequence change replaces asparagine, which is neutral and polar, with lysine, which is basic and polar, at codon 1651 of the MYH2 protein (p.Asn1651Lys). This variant is not present in population databases (gnomAD no frequency). This variant has not been reported in the literature in individuals affected with MYH2-related conditions. An algorithm developed to predict the effect of missense changes on protein structure and function (PolyPhen-2) suggests that this variant is likely to be tolerated. In summary, the available evidence is currently insufficient to determine the role of this variant in disease. Therefore, it has been classified as a Variant of Uncertain Significance.

NM_017534.6(MYH2):c.4953C>G (p.Asn1651Lys)

Genes: MYHAS (myosin heavy chain gene cluster antisense RNA; plus strand), MYH2 (myosin heavy chain 2; minus strand), LOC126862500 (BRD4-independent group 4 enhancer GRCh37_chr17:10427829-10429028; plus strand). Cytogenetic location: 17p13.1.
Variant type: single nucleotide variant.
Coding change: c.4953C>G on transcript NM_017534.6 (MANE Select); coding-DNA position 4953, C replaced by G.
Protein change: p.Asn1651Lys; replaces asparagine 1651 with lysine.
Molecular consequence: missense variant.
Genome position (GRCh38, 1-based): chr17:10,524,775, G>C on the plus strand (C>G on the coding strand, the complement: MYH2 is on the minus strand). VCF-style: chr17-10524775-G-C. GRCh37 (hg19) VCF-style: chr17-10428092-G-C.
Other names: c.4953C>G, p.Asn1651Lys (NM_001100112.2); short protein forms N1651K.
Identifiers: ClinVar variation 2698166 (VCV002698166.3), dbSNP rs1328848360, ClinGen allele CA398120519.